The following is an entry in ClinVar:

NM_001540.5(HSPB1):c.364+5del

Gene: HSPB1 (heat shock protein family B (small) member 1; plus strand). Cytogenetic location: 7q11.23.
Variant type: Deletion.
Coding change: c.364+5del on transcript NM_001540.5 (MANE Select); 5 bases into the intron after coding-DNA position 364, one base deleted (G; older notation c.364+5delG).
Molecular consequence: intron variant.
Genome position (GRCh38, 1-based): chr7:76,303,081, G deleted. VCF-style (leftmost placement, unchanged base first): chr7-76303080-AG-A. GRCh37 (hg19) VCF-style: chr7-75932397-AG-A.
Identifiers: ClinVar variation 1733510 (VCV001733510.2), dbSNP rs1563652124, ClinGen allele CA575786750.

ClinVar aggregate classification (germline): Uncertain significance (1 of 4 stars; one submission).

Conditions:
Inborn genetic diseases. Identifiers: MedGen C0950123, MeSH D030342.

Allele frequency attached by ClinVar (database versions not stated): gnomAD exomes below 0.00001.

Submission:

Ambry Genetics
Classification: Uncertain significance for Inborn genetic diseases. Last evaluated: 2022-04-12. Review status: criteria provided, single submitter. Criteria: Ambry Variant Classification Scheme 2023. Collection method: clinical testing. Allele origin: germline.
Comment: The c.364+5delG intronic variant, located in intron 1 of the HSPB1 gene, results from a deletion of one nucleotide within intron 1 of the HSPB1 gene. This nucleotide position is highly conserved in available vertebrate species. In silico splice site analysis for this alteration is inconclusive. Since supporting evidence is limited at this time, the clinical significance of this alteration remains unclear.